The following is an entry in ClinVar:

ClinVar aggregate classification (germline): Uncertain significance. Review status: criteria provided, multiple submitters, no conflicts (2 of 4 stars). 2 submissions from 2 submitters: Uncertain significance (2). Last evaluated 2022-10-17.

Conditions:
Vici syndrome (VICIS). Identifiers: Orphanet 1493, MedGen C1855772, MONDO:0009452, OMIM 242840.

Allele frequency attached by ClinVar (database versions not stated): ExAC 0.00002; gnomAD 0.00002; gnomAD exomes 0.00002; TOPMed 0.00002; ESP Exome Variant Server 0.00008.
gnomAD v4.1: 24 of 1,613,980 alleles (0.0015%); highest among the groups gnomAD compares: Admixed American, 0.0033%; no homozygotes.

Submissions (2):

Labcorp Genetics (formerly Invitae), Labcorp
Classification: Uncertain significance for Vici syndrome. Last evaluated: 2022-10-17. Review status: criteria provided, single submitter. Criteria: Invitae Variant Classification Sherloc (09022015). Collection method: clinical testing. Allele origin: germline.
Comment: This sequence change replaces glycine, which is neutral and non-polar, with serine, which is neutral and polar, at codon 1591 of the EPG5 protein (p.Gly1591Ser). This variant is present in population databases (rs370120497, gnomAD 0.004%). This missense change has been observed in individual(s) with autism spectrum disorder (PMID: 31981491). ClinVar contains an entry for this variant (Variation ID: 1040177). Advanced modeling of protein sequence and biophysical properties (such as structural, functional, and spatial information, amino acid conservation, physicochemical variation, residue mobility, and thermodynamic stability) performed at Invitae indicates that this missense variant is not expected to disrupt EPG5 protein function. In summary, the available evidence is currently insufficient to determine the role of this variant in disease. Therefore, it has been classified as a Variant of Uncertain Significance.

Revvity Omics, Revvity
Classification: Uncertain significance for Vici syndrome. Last evaluated: 2022-05-10. Review status: criteria provided, single submitter. Criteria: ACMG Guidelines, 2015. Collection method: clinical testing. Allele origin: germline.

Literature cited by the submitters: PubMed 31981491 (cited by Labcorp Genetics (formerly Invitae), Labcorp).

NM_020964.3(EPG5):c.4771G>A (p.Gly1591Ser)

Gene: EPG5 (ectopic P-granules 5 autophagy tethering factor; minus strand). Cytogenetic location: 18q12.3.
Variant type: single nucleotide variant.
Coding change: c.4771G>A on transcript NM_020964.3 (MANE Select); coding-DNA position 4771, G replaced by A.
Protein change: p.Gly1591Ser; replaces glycine 1591 with serine.
Molecular consequence: missense variant.
Genome position (GRCh38, 1-based): chr18:45,899,442, C>T on the plus strand (G>A on the coding strand, the complement: EPG5 is on the minus strand). VCF-style: chr18-45899442-C-T. GRCh37 (hg19) VCF-style: chr18-43479407-C-T.
Other names: short protein forms G1591S.
Identifiers: ClinVar variation 1040177 (VCV001040177.9), dbSNP rs370120497, ClinGen allele CA8948759.